The following is an entry in ClinVar:

ClinVar aggregate classification (germline): Pathogenic. Review status: criteria provided, multiple submitters, no conflicts (2 of 4 stars). 3 submissions from 3 submitters: Pathogenic (3). Last evaluated 2023-05-19.

Conditions:
KBG syndrome (KBGS). Also called: ANKRD11-Related KBG Syndrome. Identifiers: Orphanet 2332, MedGen C0220687, MONDO:0007846, OMIM 148050.

Submissions (3):

Labcorp Genetics (formerly Invitae), Labcorp
Classification: Pathogenic for KBG syndrome. Last evaluated: 2023-05-19. Review status: criteria provided, single submitter. Criteria: Invitae Variant Classification Sherloc (09022015). Collection method: clinical testing. Allele origin: germline.
Comment: This premature translational stop signal has been observed in individual(s) with clinical features of KBG syndrome (PMID: 25424714, 32725632). This sequence change creates a premature translational stop signal (p.Arg440*) in the ANKRD11 gene. It is expected to result in an absent or disrupted protein product. Loss-of-function variants in ANKRD11 are known to be pathogenic (PMID: 21782149, 25125236, 25413698, 25652421). This variant is not present in population databases (gnomAD no frequency). ClinVar contains an entry for this variant (Variation ID: 987277). For these reasons, this variant has been classified as Pathogenic.

GeneDx
Classification: Pathogenic. Last evaluated: 2021-12-11. Review status: criteria provided, single submitter. Criteria: GeneDx Variant Classification Process June 2021. Collection method: clinical testing. Allele origin: germline. Affected: yes.
Comment: Nonsense variant predicted to result in protein truncation or nonsense mediated decay in a gene for which loss-of-function is a known mechanism of disease; Not observed in large population cohorts (Lek et al., 2016); This variant is associated with the following publications: (PMID: 27605097, 32725632, 25424714, 26269249)

Institute of Medical Genetics and Applied Genomics, University Hospital Tübingen
Classification: Pathogenic. Last evaluated: 2020-10-23. Review status: criteria provided, single submitter. Criteria: ACMG Guidelines, 2015. Collection method: clinical testing. Allele origin: germline. Inheritance: Autosomal dominant inheritance. Affected: yes.

Literature cited by the submitters: PubMed 25424714 (cited by Labcorp Genetics (formerly Invitae), Labcorp); PubMed 32725632 (cited by Labcorp Genetics (formerly Invitae), Labcorp); PubMed 21782149 (cited by Labcorp Genetics (formerly Invitae), Labcorp); PubMed 25125236 (cited by Labcorp Genetics (formerly Invitae), Labcorp); PubMed 25413698 (cited by Labcorp Genetics (formerly Invitae), Labcorp); PubMed 25652421 (cited by Labcorp Genetics (formerly Invitae), Labcorp).

NM_013275.6(ANKRD11):c.1318C>T (p.Arg440Ter)

Gene: ANKRD11 (ankyrin repeat domain 11; minus strand). Cytogenetic location: 16q24.3.
Variant type: single nucleotide variant.
Coding change: c.1318C>T on transcript NM_013275.6 (MANE Select); coding-DNA position 1318, C replaced by T.
Protein change: p.Arg440Ter; replaces arginine 440 with a stop codon.
Molecular consequence: nonsense.
Genome position (GRCh38, 1-based): chr16:89,285,224, G>A on the plus strand (C>T on the coding strand, the complement: ANKRD11 is on the minus strand). VCF-style: chr16-89285224-G-A. GRCh37 (hg19) VCF-style: chr16-89351632-G-A.
Other names: c.1318C>T, p.Arg440Ter (NM_001256182.2, NM_001256183.2); short protein forms R440*.
Identifiers: ClinVar variation 987277 (VCV000987277.7), dbSNP rs771973198, ClinGen allele CA397165218.